The following is an entry in ClinVar:

NM_018684.4(ZC4H2):c.533C>A (p.Thr178Asn)

Gene: ZC4H2 (zinc finger C4H2-type containing; minus strand). Cytogenetic location: Xq11.2.
Variant type: single nucleotide variant.
Coding change: c.533C>A on transcript NM_018684.4 (MANE Select); coding-DNA position 533, C replaced by A.
Protein change: p.Thr178Asn; replaces threonine 178 with asparagine.
Molecular consequence: missense variant. On other transcripts: non-coding transcript variant (1), intron variant (1).
Genome position (GRCh38, 1-based): chrX:64,919,070, G>T on the plus strand (C>A on the coding strand, the complement: ZC4H2 is on the minus strand). VCF-style: chrX-64919070-G-T. GRCh37 (hg19) VCF-style: chrX-64138950-G-T.
Other names: c.464C>A, p.Thr155Asn (NM_001178032.3, NM_001243804.2); c.398+1011C>A (NM_001178033.3); c.533C>A (NM_018684.3); short protein forms T155N, T178N.
Identifiers: ClinVar variation 4767026 (VCV004767026.2).

ClinVar aggregate classification (germline): Uncertain significance. Review status: criteria provided, multiple submitters, no conflicts (2 of 4 stars). 2 submissions from 2 submitters: Uncertain significance (2). Last evaluated 2026-04-21.

gnomAD v4.1: 15 of 1,174,306 alleles (0.0013%); highest among the groups gnomAD compares: Non-Finnish European, 0.0016%; no homozygotes.

Submissions (2):

GeneDx
Classification: Uncertain significance. Last evaluated: 2026-04-21. Review status: criteria provided, single submitter. Criteria: GeneDx Variant Classification Process June 2021. Collection method: clinical testing. Allele origin: germline.
Comment: Not observed at significant frequency in large population cohorts (gnomAD); In silico analysis suggests that this missense variant does not alter protein structure/function; Has not been previously published as pathogenic or benign to our knowledge

Labcorp Genetics (formerly Invitae), Labcorp
Classification: Uncertain significance. Last evaluated: 2025-03-11. Review status: criteria provided, single submitter. Criteria: Invitae Variant Classification Sherloc (09022015). Collection method: clinical testing. Allele origin: germline.
Comment: This sequence change replaces threonine, which is neutral and polar, with asparagine, which is neutral and polar, at codon 178 of the ZC4H2 protein (p.Thr178Asn). This variant is not present in population databases (gnomAD no frequency). This variant has not been reported in the literature in individuals affected with ZC4H2-related conditions. An algorithm developed to predict the effect of missense changes on protein structure and function (PolyPhen-2) suggests that this variant is likely to be tolerated. In summary, the available evidence is currently insufficient to determine the role of this variant in disease. Therefore, it has been classified as a Variant of Uncertain Significance.